The following is an entry in ClinVar:

ClinVar aggregate classification (germline): Likely benign. Review status: criteria provided, single submitter (1 of 4 stars). 2 submissions from 2 submitters: Likely benign (1). 1 of the submissions does not count toward it. Last evaluated 2023-06-03.

Conditions:
PCNT-related disorder. Also called: PCNT-related condition.

gnomAD v4.1: 4 of 1,614,062 alleles (0.00025%); highest among the groups gnomAD compares: Non-Finnish European, 0.00034%; no homozygotes.

Submissions (2):

Labcorp Genetics (formerly Invitae), Labcorp
Classification: Likely benign. Last evaluated: 2023-06-03. Review status: criteria provided, single submitter. Criteria: Invitae Variant Classification Sherloc (09022015). Collection method: clinical testing. Allele origin: germline.

PreventionGenetics, part of Exact Sciences
Classification: Likely benign for PCNT-related condition. Last evaluated: 2024-02-21. Review status: no assertion criteria provided. Collection method: clinical testing. Allele origin: germline. Not counted in ClinVar's aggregate classification.
Comment: This variant is classified as likely benign based on ACMG/AMP sequence variant interpretation guidelines (Richards et al. 2015 PMID: 25741868, with internal and published modifications).

NM_006031.6(PCNT):c.4377C>G (p.Ala1459=)

Gene: PCNT (pericentrin; plus strand). Cytogenetic location: 21q22.3.
Variant type: single nucleotide variant.
Coding change: c.4377C>G on transcript NM_006031.6 (MANE Select); coding-DNA position 4377, C replaced by G.
Protein change: p.Ala1459=; no amino-acid change (alanine 1459 retained).
Molecular consequence: synonymous variant.
Genome position (GRCh38, 1-based): chr21:46,397,425, C>G. VCF-style: chr21-46397425-C-G. GRCh37 (hg19) VCF-style: chr21-47817339-C-G.
Other names: c.4023C>G, p.Ala1341= (NM_001315529.2); c.4377C>G (NM_006031.5).
Identifiers: ClinVar variation 2783976 (VCV002783976.4), dbSNP rs552768332, ClinGen allele CA513174074.